The following is an entry in ClinVar:

NM_206933.4(USH2A):c.6038G>T (p.Ser2013Ile)

Gene: USH2A (usherin; minus strand). Cytogenetic location: 1q41.
Variant type: single nucleotide variant.
Coding change: c.6038G>T on transcript NM_206933.4 (MANE Select); coding-DNA position 6038, G replaced by T.
Protein change: p.Ser2013Ile; replaces serine 2013 with isoleucine.
Molecular consequence: missense variant.
Genome position (GRCh38, 1-based): chr1:216,070,112, C>A on the plus strand (G>T on the coding strand, the complement: USH2A is on the minus strand). VCF-style: chr1-216070112-C-A. GRCh37 (hg19) VCF-style: chr1-216243454-C-A.
Other names: short protein forms S2013I.
Identifiers: ClinVar variation 1354083 (VCV001354083.8), dbSNP rs2102546025, ClinGen allele CA344861807.

ClinVar aggregate classification (germline): Uncertain significance (1 of 4 stars; one submission).

Submission:

Labcorp Genetics (formerly Invitae), Labcorp
Classification: Uncertain significance. Last evaluated: 2020-12-04. Review status: criteria provided, single submitter. Criteria: Invitae Variant Classification Sherloc (09022015). Collection method: clinical testing. Allele origin: germline.
Comment: This sequence change replaces serine with isoleucine at codon 2013 of the USH2A protein (p.Ser2013Ile). The serine residue is moderately conserved and there is a large physicochemical difference between serine and isoleucine. This variant is not present in population databases (ExAC no frequency). This variant has not been reported in the literature in individuals with USH2A-related conditions. Algorithms developed to predict the effect of missense changes on protein structure and function are either unavailable or do not agree on the potential impact of this missense change (SIFT: "Deleterious"; PolyPhen-2: "Possibly Damaging"; Align-GVGD: "Class C0"). In summary, the available evidence is currently insufficient to determine the role of this variant in disease. Therefore, it has been classified as a Variant of Uncertain Significance.